The following is an entry in ClinVar:

ClinVar aggregate classification (germline): Likely pathogenic. Review status: reviewed by expert panel (3 of 4 stars). 5 submissions from 5 submitters: Likely pathogenic (1). 4 of the submissions do not count toward it. Last evaluated 2026-02-24.

Conditions:
Hereditary cancer-predisposing syndrome. Also called: Neoplastic Syndromes, Hereditary; Hereditary neoplastic syndrome; Tumor predisposition; Hereditary Cancer Syndrome. Identifiers: Orphanet 140162, MedGen C0027672, MeSH D009386, MONDO:0015356.
DICER1-related tumor predisposition. Also called: DICER1-related pleuropulmonary blastoma cancer predisposition syndrome; DICER1 syndrome. Identifiers: Orphanet 284343, MedGen C3839822, MONDO:0100216.
Euthyroid goiter (MNG1). Also called: Goiter, multinodular 1, with or without Sertoli-Leydig cell tumors; MULTINODULAR GOITER, ADOLESCENT; SIMPLE GOITER; GOITER, NONTOXIC, WITH INTRATHYROIDAL CALCIFICATION. Identifiers: Orphanet 276399, MedGen C0302859, MONDO:0007681, OMIM 138800, HP:0009798.

Submissions (5):

ClinGen DICER1 and miRNA-Processing Gene Variant Curation Expert Panel, ClinGen
Classification: Likely pathogenic for DICER1-related tumor predisposition. Last evaluated: 2026-02-24. Review status: reviewed by expert panel. Criteria: ClinGen DICER1 ACMG Specifications DICER1 V1.4.0. Collection method: curation. Allele origin: germline. Inheritance: Autosomal dominant inheritance.
Comment: The NM_177438.2:c.2516C>T variant in DICER1 is a missense variant predicted to cause substitution of serine by phenylalanine at amino acid 839 (p.Ser839Phe). This variant received a total of 1 phenotype point across 2 unrelated probands meeting DICER1 VCEP phenotype specificity scoring criteria of 1-1.5 points (PS4_Supporting; PMIDs: 3799599, 21205968; Internal Contributors). All reported phenotypes to date have been thyroid phenotypes (multi-nodular goiter and thyroid cancer, including pediatric). This variant has been identified as a de novo occurrence with unconfirmed parental relationships in 1 individual with pediatric thyroid cancer (PS2_Supporting; Internal lab contributors). At least one patient with this variant was found to have a somatic second hit in a recognized DICER1 hotspot codon on tumor sequencing, which is highly specific for DICER1-related tumor predisposition (PP4, PMIDs: 27459524, 26033159). The variant has been reported to segregate with multi-nodular goiter in 20 affected family members from 1 family (PP1_Moderate; PMIDs: 21205968). This variant is absent from gnomAD v4.1.0 (PM2_Supporting). In vitro cleavage assay carried out using immunopurified DICER1 variant Ser839Phe showed that this variant reduces the capacity of the protein to produce 5p/3p microRNAs from a pre-miRNA, indicating that this variant impacts protein function (PS3_Supporting; Wu, McGill 2018; Torrez, University of Michigan 2023, PMID: 37333613). The computational predictor REVEL gives a score of 0.519, which is neither above nor below the thresholds predicting a damaging or benign impact on DICER1 function; splice predictors MaxEntScan and SpliceAI indicate no impact on splicing (PP3 and BP4 not met). In summary, this variant meets the criteria to be classified as Likely Pathogenic for DICER1-related tumor predisposition based on the ACMG/AMP criteria applied, as specified by the ClinGen DICER1 VCEP: PS4_Supporting, PS2_Supporting, PP4, PP1_Moderate, PM2_Supporting, PS3_Supporting. (Bayesian Points: 7; VCEP specifications version 1.4.0; 02/24/2026)

Labcorp Genetics (formerly Invitae), Labcorp
Classification: Pathogenic for DICER1-related tumor predisposition. Last evaluated: 2023-08-30. Review status: criteria provided, single submitter. Criteria: Invitae Variant Classification Sherloc (09022015). Collection method: clinical testing. Allele origin: germline. Not counted in ClinVar's aggregate classification.
Comment: This missense change has been observed in individual(s) with DICER1 syndrome (PMID: 21205968). It has also been observed to segregate with disease in related individuals. For these reasons, this variant has been classified as Pathogenic. Advanced modeling of protein sequence and biophysical properties (such as structural, functional, and spatial information, amino acid conservation, physicochemical variation, residue mobility, and thermodynamic stability) performed at Invitae indicates that this missense variant is expected to disrupt DICER1 protein function. ClinVar contains an entry for this variant (Variation ID: 30566). This variant is not present in population databases (gnomAD no frequency). This sequence change replaces serine, which is neutral and polar, with phenylalanine, which is neutral and non-polar, at codon 839 of the DICER1 protein (p.Ser839Phe).

Ambry Genetics
Classification: Uncertain significance for Hereditary cancer-predisposing syndrome. Last evaluated: 2020-04-02. Review status: criteria provided, single submitter. Criteria: Ambry Variant Classification Scheme 2023. Collection method: clinical testing. Allele origin: germline. Not counted in ClinVar's aggregate classification.
Comment: The p.S839F variant (also known as c.2516C>T), located in coding exon 15 of the DICER1 gene, results from a C to T substitution at nucleotide position 2516. The serine at codon 839 is replaced by phenylalanine, an amino acid with highly dissimilar properties. This variant has been identified in family with non toxic multi-nodular goiter (Rio Frio T et al. JAMA, 2011 Jan;305:68-77). This amino acid position is not well conserved in available vertebrate species. In addition, the in silico prediction for this alteration is inconclusive. Since supporting evidence is limited at this time, the clinical significance of this alteration remains unclear.

Foulkes Cancer Genetics LDI, Lady Davis Institute for Medical Research
Classification: Likely pathogenic for Pleuropulmonary blastoma. Last evaluated: 2019-07-01. Review status: criteria provided, single submitter. Criteria: ACMG Guidelines, 2015. Collection method: curation. Allele origin: germline. Affected: yes. Observed: 21 variant alleles. Not counted in ClinVar's aggregate classification.
Comment: ACMG criteria met: PS3, PM2, PP1, PP3, BP1

OMIM
Classification: Pathogenic for GOITER, MULTINODULAR 1, WITHOUT SERTOLI-LEYDIG CELL TUMORS. Last evaluated: 2011-01-05. Review status: no assertion criteria provided. Collection method: literature only. Allele origin: germline. Not counted in ClinVar's aggregate classification.

Literature cited by the submitters: PubMed 21205968 (cited by 4 submitters); PubMed 24708902 (cited by Ambry Genetics); PubMed 9345104 (cited by Ambry Genetics and OMIM); PubMed 26033159 (cited by Foulkes Cancer Genetics LDI, Lady Davis Institute for Medical Research).

NM_177438.3(DICER1):c.2516C>T (p.Ser839Phe)

Gene: DICER1 (dicer 1, ribonuclease III; minus strand). Cytogenetic location: 14q32.13.
Variant type: single nucleotide variant.
Coding change: c.2516C>T on transcript NM_177438.3 (MANE Select); coding-DNA position 2516, C replaced by T.
Protein change: p.Ser839Phe; replaces serine 839 with phenylalanine.
Molecular consequence: missense variant.
Genome position (GRCh38, 1-based): chr14:95,108,014, G>A on the plus strand (C>T on the coding strand, the complement: DICER1 is on the minus strand). VCF-style: chr14-95108014-G-A. GRCh37 (hg19) VCF-style: chr14-95574351-G-A.
Other names: NM_177438.3(DICER1):c.2516C>T; c.2516C>T, p.Ser839Phe (NM_001195573.1, NM_001271282.3, NM_001291628.2 and 1 more transcripts); short protein forms S839F.
Identifiers: ClinVar variation 30566 (VCV000030566.11), dbSNP rs387906934, ClinGen allele CA129336.